The following is an entry in ClinVar:

ClinVar aggregate classification (germline): Uncertain significance. Review status: criteria provided, multiple submitters, no conflicts (2 of 4 stars). 3 submissions from 3 submitters: Uncertain significance (2). 1 of the submissions does not count toward it. Last evaluated 2026-02-01.

Conditions:
SLC52A3-related disorder. Also called: SLC52A3-related condition.
Brown-Vialetto-van Laere syndrome 1. Also called: BROWN-VIALETTO-VAN LAERE SYNDROME 1, MILD; BULBAR PALSY, PROGRESSIVE, WITH SENSORINEURAL DEAFNESS; PONTOBULBAR PALSY WITH DEAFNESS. Identifiers: Orphanet 572550, Orphanet 97229, MedGen C0796274, MONDO:0024537, OMIM 211530.

Allele frequency attached by ClinVar (database versions not stated): TOPMed below 0.00001; gnomAD 0.00001; gnomAD exomes 0.00001; ExAC 0.00002.

Submissions (3):

GeneDx
Classification: Uncertain significance. Last evaluated: 2026-02-01. Review status: criteria provided, single submitter. Criteria: GeneDx Variant Classification Process June 2021. Collection method: clinical testing. Allele origin: germline. Affected: yes.
Comment: Not observed at significant frequency in large population cohorts (gnomAD); In silico analysis supports that this missense variant has a deleterious effect on protein structure/function; Has not been previously published as pathogenic or benign to our knowledge

Labcorp Genetics (formerly Invitae), Labcorp
Classification: Uncertain significance for Brown-Vialetto-van Laere syndrome 1. Last evaluated: 2022-08-01. Review status: criteria provided, single submitter. Criteria: Invitae Variant Classification Sherloc (09022015). Collection method: clinical testing. Allele origin: germline.
Comment: In summary, the available evidence is currently insufficient to determine the role of this variant in disease. Therefore, it has been classified as a Variant of Uncertain Significance. Algorithms developed to predict the effect of missense changes on protein structure and function are either unavailable or do not agree on the potential impact of this missense change (SIFT: "Deleterious"; PolyPhen-2: "Probably Damaging"; Align-GVGD: "Class C0"). This variant has not been reported in the literature in individuals affected with SLC52A3-related conditions. This variant is present in population databases (rs780735213, gnomAD 0.01%). This sequence change replaces glycine, which is neutral and non-polar, with glutamic acid, which is acidic and polar, at codon 374 of the SLC52A3 protein (p.Gly374Glu).

PreventionGenetics, part of Exact Sciences
Classification: Uncertain significance for SLC52A3-related condition. Last evaluated: 2024-01-26. Review status: no assertion criteria provided. Collection method: clinical testing. Allele origin: germline. Not counted in ClinVar's aggregate classification.
Comment: The SLC52A3 c.1121G>A variant is predicted to result in the amino acid substitution p.Gly374Glu. To our knowledge, this variant has not been reported in the literature. This variant is reported in 0.012% of alleles in individuals of Latino descent in gnomAD. This variant is classified as a variant of uncertain significance in ClinVar. At this time, the clinical significance of this variant is uncertain due to the absence of conclusive functional and genetic evidence.

NM_033409.4(SLC52A3):c.1121G>A (p.Gly374Glu)

Gene: SLC52A3 (solute carrier family 52 member 3; minus strand). Cytogenetic location: 20p13.
Variant type: single nucleotide variant.
Coding change: c.1121G>A on transcript NM_033409.4 (MANE Select); coding-DNA position 1121, G replaced by A.
Protein change: p.Gly374Glu; replaces glycine 374 with glutamic acid.
Molecular consequence: missense variant.
Genome position (GRCh38, 1-based): chr20:761,777, C>T on the plus strand (G>A on the coding strand, the complement: SLC52A3 is on the minus strand). VCF-style: chr20-761777-C-T. GRCh37 (hg19) VCF-style: chr20-742421-C-T.
Other names: c.1121G>A, p.Gly374Glu (NM_001370085.1, NM_001370086.1); c.1121G>A (NM_033409.3); short protein forms G374E.
Identifiers: ClinVar variation 2070695 (VCV002070695.8), dbSNP rs780735213, ClinGen allele CA9724590.